The following is an entry in ClinVar:

NM_015541.3(LRIG1):c.3158A>C (p.Gln1053Pro)

Gene: LRIG1 (leucine rich repeats and immunoglobulin like domains 1; minus strand). Cytogenetic location: 3p14.1.
Variant type: single nucleotide variant.
Coding change: c.3158A>C on transcript NM_015541.3 (MANE Select); coding-DNA position 3158, A replaced by C.
Protein change: p.Gln1053Pro; replaces glutamine 1053 with proline.
Molecular consequence: missense variant.
Genome position (GRCh38, 1-based): chr3:66,380,387, T>G on the plus strand (A>C on the coding strand, the complement: LRIG1 is on the minus strand). VCF-style: chr3-66380387-T-G. GRCh37 (hg19) VCF-style: chr3-66430811-T-G.
Other names: c.3083A>C, p.Gln1028Pro (NM_001377344.1); c.2378A>C, p.Gln793Pro (NM_001377345.1, NM_001377346.1); c.2156A>C, p.Gln719Pro (NM_001377347.1); c.2129A>C, p.Gln710Pro (NM_001377348.1); c.1874A>C, p.Gln625Pro (NM_001377349.1); short protein forms Q1053P, Q1028P, Q625P, Q710P, Q719P, Q793P.
Identifiers: ClinVar variation 403053 (VCV000403053.7), dbSNP rs2279290, ClinGen allele CA2483987.

ClinVar aggregate classification (germline): Benign. Review status: criteria provided, multiple submitters, no conflicts (2 of 4 stars). 3 submissions from 3 submitters: Benign (2). 1 of the submissions does not count toward it. Last evaluated 2016-03-29.

Conditions:
LRIG1-related disorder. Also called: LRIG1-related condition.

Allele frequency attached by ClinVar (database versions not stated): gnomAD 0.16583; 1000 Genomes Project 0.10803; 1000 Genomes Project 30x 0.10899; TOPMed 0.14887; ExAC 0.16206; ESP Exome Variant Server 0.16546.
gnomAD v4.1: 299,741 of 1,614,060 alleles (19%); highest among the groups gnomAD compares: Non-Finnish European, 21%; 29,674 homozygotes.

Submissions (3):

Laboratory for Molecular Medicine, Mass General Brigham Personalized Medicine
Classification: Benign. Last evaluated: 2016-03-29. Review status: criteria provided, single submitter. Criteria: LMM Criteria. Collection method: clinical testing. Allele origin: germline.
Comment: Variant identified in a genome or exome case(s) and assessed due to predicted null impact of the variant or pathogenic assertions in the literature or databases. Disclaimer: This variant has not undergone full assessment. The following are preliminary notes: Frequency

Breakthrough Genomics
Classification: Benign. Review status: criteria provided, single submitter. Criteria: ACMG Guidelines, 2015. Collection method: not provided. Allele origin: germline. Inheritance: Unknown mechanism. Affected: yes.

PreventionGenetics, part of Exact Sciences
Classification: Benign for LRIG1-related condition. Last evaluated: 2019-10-21. Review status: no assertion criteria provided. Collection method: clinical testing. Allele origin: germline. Not counted in ClinVar's aggregate classification.
Comment: This variant is classified as benign based on ACMG/AMP sequence variant interpretation guidelines (Richards et al. 2015 PMID: 25741868, with internal and published modifications).